The following is an entry in ClinVar:

ClinVar aggregate classification (germline): Uncertain significance (1 of 4 stars; one submission).

Conditions:
Inborn genetic diseases. Identifiers: MedGen C0950123, MeSH D030342.

Submission:

Ambry Genetics
Classification: Uncertain significance for Inborn genetic diseases. Last evaluated: 2025-07-24. Review status: criteria provided, single submitter. Criteria: Ambry Variant Classification Scheme 2023. Collection method: clinical testing. Allele origin: germline.
Comment: The p.G260E variant (also known as c.779G>A), located in coding exon 7 of the FANCG gene, results from a G to A substitution at nucleotide position 779. The glycine at codon 260 is replaced by glutamic acid, an amino acid with similar properties. This amino acid position is conserved. In addition, this alteration is predicted to be tolerated by in silico analysis. Based on the available evidence, the clinical significance of this variant remains unclear.

NM_004629.2(FANCG):c.779G>A (p.Gly260Glu)

Gene: FANCG (FA complementation group G; minus strand). Cytogenetic location: 9p13.3.
Variant type: single nucleotide variant.
Coding change: c.779G>A on transcript NM_004629.2 (MANE Select); coding-DNA position 779, G replaced by A.
Protein change: p.Gly260Glu; replaces glycine 260 with glutamic acid.
Molecular consequence: missense variant.
Genome position (GRCh38, 1-based): chr9:35,076,869, C>T on the plus strand (G>A on the coding strand, the complement: FANCG is on the minus strand). VCF-style: chr9-35076869-C-T. GRCh37 (hg19) VCF-style: chr9-35076866-C-T.
Other names: short protein forms G260E.
Identifiers: ClinVar variation 4254455 (VCV004254455.1).